The following is an entry in ClinVar:

NM_000384.3(APOB):c.2297A>T (p.Lys766Ile)

Gene: APOB (apolipoprotein B; minus strand). Cytogenetic location: 2p24.1.
Variant type: single nucleotide variant.
Coding change: c.2297A>T on transcript NM_000384.3 (MANE Select); coding-DNA position 2297, A replaced by T.
Protein change: p.Lys766Ile; replaces lysine 766 with isoleucine.
Molecular consequence: missense variant.
Genome position (GRCh38, 1-based): chr2:21,025,072, T>A on the plus strand (A>T on the coding strand, the complement: APOB is on the minus strand). VCF-style: chr2-21025072-T-A. GRCh37 (hg19) VCF-style: chr2-21247944-T-A.
Other names: short protein forms K766I.
Identifiers: ClinVar variation 1998170 (VCV001998170.4), dbSNP rs2465413379, ClinGen allele CA346012087.

ClinVar aggregate classification (germline): Uncertain significance (1 of 4 stars; one submission).

Conditions:
Familial hypobetalipoproteinemia 1. Also called: Hypobetalipoproteinemia, normotriglyceridemic; Acanthocytosis with hypobetalipoproteinemia; APOB-Related Familial Hypobetalipoproteinemia. Identifiers: MedGen C4551990, MONDO:0014252, OMIM 615558.
Hypercholesterolemia, autosomal dominant, type B (FHCL2). Also called: Familial Hypercholesterolemia Type B; APOLIPOPROTEIN B-100, FAMILIAL DEFECTIVE; APOLIPOPROTEIN B-100, FAMILIAL LIGAND-DEFECTIVE; HYPERCHOLESTEROLEMIA, FAMILIAL, DUE TO LIGAND-DEFECTIVE APOLIPOPROTEIN B; Hyperlipoproteinemia Type IIb; APOB-Related Familial Hypercholesterolemia, Autosomal Dominant. Identifiers: MedGen C1704417, MONDO:0007751, OMIM 144010.

Submission:

Labcorp Genetics (formerly Invitae), Labcorp
Classification: Uncertain significance for Familial hypobetalipoproteinemia 1; Hypercholesterolemia, autosomal dominant, type B. Last evaluated: 2022-05-24. Review status: criteria provided, single submitter. Criteria: Invitae Variant Classification Sherloc (09022015). Collection method: clinical testing. Allele origin: germline.
Comment: This missense change has been observed in individual(s) with clinical features of APOB-related conditions (Invitae). Algorithms developed to predict the effect of missense changes on protein structure and function are either unavailable or do not agree on the potential impact of this missense change (SIFT: "Deleterious"; PolyPhen-2: "Probably Damaging"; Align-GVGD: "Class C0"). In summary, the available evidence is currently insufficient to determine the role of this variant in disease. Therefore, it has been classified as a Variant of Uncertain Significance. This sequence change replaces lysine, which is basic and polar, with isoleucine, which is neutral and non-polar, at codon 766 of the APOB protein (p.Lys766Ile). This variant is not present in population databases (gnomAD no frequency).